The following is an entry in ClinVar:

ClinVar aggregate classification (germline): Pathogenic (1 of 4 stars; one submission).

Conditions:
PRPH2-related disorder. Also called: PRPH2-related condition; PRPH2-related disorders. Identifiers: MedGen CN239395.

Submission:

Labcorp Genetics (formerly Invitae), Labcorp
Classification: Pathogenic for PRPH2-related disorder. Last evaluated: 2022-07-30. Review status: criteria provided, single submitter. Criteria: Invitae Variant Classification Sherloc (09022015). Collection method: clinical testing. Allele origin: germline.
Comment: This sequence change creates a premature translational stop signal (p.Tyr184*) in the PRPH2 gene. It is expected to result in an absent or disrupted protein product. Loss-of-function variants in PRPH2 are known to be pathogenic (PMID: 8111389, 8485575, 8485576, 8675410, 16916875, 17504850, 22863181, 25675413, 26061163, 27365499, 29555955, 33546218). This variant is not present in population databases (gnomAD no frequency). This variant has not been reported in the literature in individuals affected with PRPH2-related conditions. For these reasons, this variant has been classified as Pathogenic.

Literature cited by the submitters: PubMed 8111389; PubMed 8485575; PubMed 8485576; PubMed 8675410; PubMed 16916875; PubMed 17504850; PubMed 22863181; PubMed 25675413; PubMed 26061163; PubMed 27365499; PubMed 29555955; PubMed 33546218.

NM_000322.5(PRPH2):c.548_551dup (p.Tyr184Ter)

Gene: PRPH2 (peripherin 2; minus strand). Cytogenetic location: 6p21.1.
Variant type: Duplication.
Coding change: c.548_551dup on transcript NM_000322.5 (MANE Select); coding-DNA positions 548 to 551, 4 bases duplicated (GCTA; older notation c.548_551dupGCTA).
Protein change: p.Tyr184Ter; replaces tyrosine 184 with a stop codon.
Molecular consequence: nonsense.
Genome position (GRCh38, 1-based): chr6:42,721,784-42,721,787, TAGC duplicated on the plus strand (GCTA on the coding strand, the reverse complement: PRPH2 is on the minus strand). VCF-style (leftmost placement, unchanged base first): chr6-42721783-G-GTAGC. GRCh37 (hg19) VCF-style: chr6-42689521-G-GTAGC.
Other names: short protein forms Y184*.
Identifiers: ClinVar variation 2020583 (VCV002020583.4), dbSNP rs2548309582, ClinGen allele CA2580074528.